The following is an entry in ClinVar:

NM_006031.6(PCNT):c.5810_5811inv (p.His1937Arg)

Gene: PCNT (pericentrin; plus strand). Cytogenetic location: 21q22.3.
Variant type: Inversion.
Coding change: c.5810_5811inv on transcript NM_006031.6 (MANE Select).
Protein change: p.His1937Arg; replaces histidine 1937 with arginine.
Molecular consequence: missense variant.
Genome position: GRCh38 VCF-style: chr21-46411883-AC-GT. GRCh37 (hg19) VCF-style: chr21-47831797-AC-GT.
Other names: c.5456_5457inv, p.His1819Arg (NM_001315529.2); short protein forms H1819R, H1937R.
Identifiers: ClinVar variation 2059767 (VCV002059767.2), ClinGen allele CA2580099045.

ClinVar aggregate classification (germline): Uncertain significance (1 of 4 stars; one submission).

Submission:

Labcorp Genetics (formerly Invitae), Labcorp
Classification: Uncertain significance. Last evaluated: 2025-09-15. Review status: criteria provided, single submitter. Criteria: Invitae Variant Classification Sherloc (09022015). Collection method: clinical testing. Allele origin: germline.
Comment: This sequence change replaces histidine, which is basic and polar, with arginine, which is basic and polar, at codon 1937 of the PCNT protein (p.His1937Arg). The frequency data for this variant in the population databases is considered unreliable, as metrics indicate poor data quality at this position in the gnomAD database. This variant has not been reported in the literature in individuals affected with PCNT-related conditions. ClinVar contains an entry for this variant (Variation ID: 2059767). An algorithm developed to predict the effect of missense changes on protein structure and function (PolyPhen-2) suggests that this variant is likely to be disruptive. In summary, the available evidence is currently insufficient to determine the role of this variant in disease. Therefore, it has been classified as a Variant of Uncertain Significance.